The following is an entry in ClinVar:

NM_000094.4(COL7A1):c.4341+2T>C

Gene: COL7A1 (collagen type VII alpha 1 chain; minus strand). Cytogenetic location: 3p21.31.
Variant type: single nucleotide variant.
Coding change: c.4341+2T>C on transcript NM_000094.4 (MANE Select); the canonical splice donor site of the intron after coding-DNA position 4341, T replaced by C.
Molecular consequence: splice donor variant.
Genome position (GRCh38, 1-based): chr3:48,583,716, A>G on the plus strand (T>C on the coding strand, the complement: COL7A1 is on the minus strand). VCF-style: chr3-48583716-A-G. GRCh37 (hg19) VCF-style: chr3-48621149-A-G.
Identifiers: ClinVar variation 947463 (VCV000947463.8), dbSNP rs2044967603, ClinGen allele CA352693166.

ClinVar aggregate classification (germline): Conflicting classifications of pathogenicity. Review status: criteria provided, conflicting classifications (1 of 4 stars). 2 submissions from 2 submitters: Likely pathogenic (1); Uncertain significance (1). Last evaluated 2024-04-03.

Submissions (2):

Blueprint Genetics
Classification: Uncertain significance. Last evaluated: 2024-04-03. Review status: criteria provided, single submitter. Criteria: ACMG Guidelines, 2015. Collection method: clinical testing. Allele origin: germline.

Labcorp Genetics (formerly Invitae), Labcorp
Classification: Likely pathogenic. Last evaluated: 2019-04-19. Review status: criteria provided, single submitter. Criteria: Invitae Variant Classification Sherloc (09022015). Collection method: clinical testing. Allele origin: germline.
Comment: This sequence change affects a donor splice site in intron 39 of the COL7A1 gene. It is expected to disrupt RNA splicing and likely results in an absent or disrupted protein product. This variant is not present in population databases (ExAC no frequency). This variant has not been reported in the literature in individuals with COL7A1-related conditions. Algorithms developed to predict the effect of sequence changes on RNA splicing suggest that this variant may disrupt the consensus splice site, but this prediction has not been confirmed by published transcriptional studies. Donor and acceptor splice site variants typically lead to a loss of protein function (PMID: 16199547), and loss-of-function variants in COL7A1 are known to be pathogenic (PMID: 16971478). In summary, the currently available evidence indicates that the variant is pathogenic, but additional data are needed to prove that conclusively. Therefore, this variant has been classified as Likely Pathogenic.

Literature cited by the submitters: PubMed 16199547 (cited by Labcorp Genetics (formerly Invitae), Labcorp); PubMed 16971478 (cited by Labcorp Genetics (formerly Invitae), Labcorp).